The following is an entry in ClinVar:

ClinVar aggregate classification (germline): Pathogenic/Likely pathogenic. Review status: criteria provided, multiple submitters, no conflicts (2 of 4 stars). 3 submissions from 3 submitters: Pathogenic (2); Likely pathogenic (1). Last evaluated 2025-12-25.

Conditions:
Primary ciliary dyskinesia. Also called: Ciliary dyskinesia. Identifiers: Orphanet 244, MedGen C0008780, MONDO:0016575, HP:0012265.
RPGR-related disorder. Also called: RPGR-related condition.

Submissions (3):

Labcorp Genetics (formerly Invitae), Labcorp
Classification: Pathogenic for Primary ciliary dyskinesia. Last evaluated: 2025-12-25. Review status: criteria provided, single submitter. Criteria: Invitae Variant Classification Sherloc (09022015). Collection method: clinical testing. Allele origin: germline.
Comment: This sequence change creates a premature translational stop signal (p.Tyr1085*) in the RPGR (ORF15) gene. While this is not anticipated to result in nonsense mediated decay, it is expected to disrupt the last 68 amino acid(s) of the RPGR (ORF15) protein. This variant is not present in population databases (gnomAD no frequency). This premature translational stop signal has been observed in individual(s) with retinal dystrophy (PMID: 34985506). ClinVar contains an entry for this variant (Variation ID: 865831). This variant disrupts a region of the RPGR (ORF15) protein in which other variant(s) (p.Leu1130Lysfs*13) have been determined to be pathogenic (PMID: 22264887). This suggests that this is a clinically significant region of the protein, and that variants that disrupt it are likely to be disease-causing. For these reasons, this variant has been classified as Pathogenic.

GeneDx
Classification: Likely pathogenic. Last evaluated: 2022-06-18. Review status: criteria provided, single submitter. Criteria: GeneDx Variant Classification Process June 2021. Collection method: clinical testing. Allele origin: germline. Affected: yes.
Comment: Nonsense variant predicted to result in protein truncation as the last 68 amino acids are lost, although loss-of-function variants have not been reported downstream of this position in the protein; Not observed at significant frequency in large population cohorts (gnomAD); Has not been previously published as pathogenic or benign to our knowledge

Blueprint Genetics
Classification: Pathogenic for RPGR-related disorders. Last evaluated: 2020-10-01. Review status: criteria provided, single submitter. Criteria: ACMG Guidelines, 2015. Collection method: clinical testing. Allele origin: germline. Affected: yes. Observed: 3 variant alleles.

Literature cited by the submitters: PubMed 34985506 (cited by Labcorp Genetics (formerly Invitae), Labcorp); PubMed 22264887 (cited by Labcorp Genetics (formerly Invitae), Labcorp).

NM_001034853.2(RPGR):c.3255del (p.Glu1084_Tyr1085insTer)

Gene: RPGR (retinitis pigmentosa GTPase regulator; minus strand). Cytogenetic location: Xp11.4.
Variant type: Deletion.
Coding change: c.3255del on transcript NM_001034853.2 (MANE Select); coding-DNA position 3255, one base deleted (C; older notation c.3255delC).
Protein change: p.Glu1084_Tyr1085insTer.
Molecular consequence: nonsense. On other transcripts: intron variant (8).
Genome position (GRCh38, 1-based): chrX:38,285,744, G deleted on the plus strand (C on the coding strand, the reverse complement: RPGR is on the minus strand). VCF-style (leftmost placement, unchanged base first): chrX-38285743-TG-T. GRCh37 (hg19) VCF-style: chrX-38144996-TG-T.
Other names: c.1569+5215del (NM_001367249.1, NM_001367250.1); c.1902+1350del (NM_001367245.1); c.1386+5215del (NM_001367251.1); c.1719+1350del (NM_001367246.1); c.1572+5215del (NM_001367247.1); c.1905+1350del (NM_000328.3); c.1602+5215del (NM_001367248.1).
Identifiers: ClinVar variation 865831 (VCV000865831.7), dbSNP rs2067115815, ClinGen allele CA916083877.